The following is an entry in ClinVar:

ClinVar aggregate classification (germline): Uncertain significance (1 of 4 stars; one submission).

Submission:

Labcorp Genetics (formerly Invitae), Labcorp
Classification: Uncertain significance. Last evaluated: 2022-10-20. Review status: criteria provided, single submitter. Criteria: Invitae Variant Classification Sherloc (09022015). Collection method: clinical testing. Allele origin: germline.
Comment: Advanced modeling of protein sequence and biophysical properties (such as structural, functional, and spatial information, amino acid conservation, physicochemical variation, residue mobility, and thermodynamic stability) performed at Invitae indicates that this missense variant is not expected to disrupt CLCN7 protein function. This variant has not been reported in the literature in individuals affected with CLCN7-related conditions. This variant is not present in population databases (gnomAD no frequency). This sequence change replaces cysteine, which is neutral and slightly polar, with arginine, which is basic and polar, at codon 733 of the CLCN7 protein (p.Cys733Arg). In summary, the available evidence is currently insufficient to determine the role of this variant in disease. Therefore, it has been classified as a Variant of Uncertain Significance.

NM_001287.6(CLCN7):c.2197T>C (p.Cys733Arg)

Gene: CLCN7 (chloride voltage-gated channel 7; minus strand). Cytogenetic location: 16p13.3.
Variant type: single nucleotide variant.
Coding change: c.2197T>C on transcript NM_001287.6 (MANE Select); coding-DNA position 2197, T replaced by C.
Protein change: p.Cys733Arg; replaces cysteine 733 with arginine.
Molecular consequence: missense variant.
Genome position (GRCh38, 1-based): chr16:1,447,445, A>G on the plus strand (T>C on the coding strand, the complement: CLCN7 is on the minus strand). VCF-style: chr16-1447445-A-G. GRCh37 (hg19) VCF-style: chr16-1497446-A-G.
Other names: c.2125T>C, p.Cys709Arg (NM_001114331.3); short protein forms C733R, C709R.
Identifiers: ClinVar variation 1915494 (VCV001915494.5), dbSNP rs2505812349, ClinGen allele CA394185569.